The following is an entry in ClinVar:

NM_015378.4(VPS13D):c.6406A>G (p.Thr2136Ala)

Gene: VPS13D (vacuolar protein sorting 13 homolog D; plus strand). Cytogenetic location: 1p36.22.
Variant type: single nucleotide variant.
Coding change: c.6406A>G on transcript NM_015378.4 (MANE Select); coding-DNA position 6406, A replaced by G.
Protein change: p.Thr2136Ala; replaces threonine 2136 with alanine.
Molecular consequence: missense variant.
Genome position (GRCh38, 1-based): chr1:12,304,695, A>G. VCF-style: chr1-12304695-A-G. GRCh37 (hg19) VCF-style: chr1-12364752-A-G.
Other names: p.Thr2136Ala; c.6406A>G, p.Thr2136Ala (NM_018156.4); c.6406A>G (NM_015378.2); short protein forms T2136A.
Identifiers: ClinVar variation 1518191 (VCV001518191.5), dbSNP rs140805377, ClinGen allele CA602578.

ClinVar aggregate classification (germline): Uncertain significance. Review status: criteria provided, multiple submitters, no conflicts (2 of 4 stars). 3 submissions from 3 submitters: Uncertain significance (3). Last evaluated 2024-08-12.

Conditions:
Inborn genetic diseases. Identifiers: MedGen C0950123, MeSH D030342.

Allele frequency attached by ClinVar (database versions not stated): ESP Exome Variant Server 0.00008; gnomAD 0.00012; gnomAD exomes 0.00014 and 0.00019; TOPMed 0.00014; ExAC 0.00016.
gnomAD v4.1: 293 of 1,613,880 alleles (0.018%); highest among the groups gnomAD compares: Non-Finnish European, 0.023%; no homozygotes.

Submissions (3):

Ambry Genetics
Classification: Uncertain significance for Inborn genetic diseases. Last evaluated: 2024-08-12. Review status: criteria provided, single submitter. Criteria: Ambry Variant Classification Scheme 2023. Collection method: clinical testing. Allele origin: germline.

Mayo Clinic Laboratories, Mayo Clinic
Classification: Uncertain significance. Last evaluated: 2023-08-18. Review status: criteria provided, single submitter. Criteria: ACMG Guidelines, 2015. Collection method: clinical testing. Allele origin: germline. Observed: 1 variant allele.
Comment: BP4

Labcorp Genetics (formerly Invitae), Labcorp
Classification: Uncertain significance. Last evaluated: 2022-10-13. Review status: criteria provided, single submitter. Criteria: Invitae Variant Classification Sherloc (09022015). Collection method: clinical testing. Allele origin: germline.
Comment: This sequence change replaces threonine, which is neutral and polar, with alanine, which is neutral and non-polar, at codon 2136 of the VPS13D protein (p.Thr2136Ala). This variant is present in population databases (rs140805377, gnomAD 0.03%). This variant has not been reported in the literature in individuals affected with VPS13D-related conditions. ClinVar contains an entry for this variant (Variation ID: 1518191). Advanced modeling of protein sequence and biophysical properties (such as structural, functional, and spatial information, amino acid conservation, physicochemical variation, residue mobility, and thermodynamic stability) performed at Invitae indicates that this missense variant is not expected to disrupt VPS13D protein function. In summary, the available evidence is currently insufficient to determine the role of this variant in disease. Therefore, it has been classified as a Variant of Uncertain Significance.